The following is an entry in ClinVar:

NM_000136.3(FANCC):c.708G>A (p.Met236Ile)

Genes: AOPEP (aminopeptidase O (putative); plus strand), FANCC (FA complementation group C; minus strand). Cytogenetic location: 9q22.32.
Variant type: single nucleotide variant.
Coding change: c.708G>A on transcript NM_000136.3 (MANE Select); coding-DNA position 708, G replaced by A.
Protein change: p.Met236Ile; replaces methionine 236 with isoleucine.
Molecular consequence: missense variant.
Genome position (GRCh38, 1-based): chr9:95,135,481, C>T on the plus strand (G>A on the coding strand, the complement: FANCC is on the minus strand). VCF-style: chr9-95135481-C-T. GRCh37 (hg19) VCF-style: chr9-97897763-C-T.
Other names: p.M236I:ATG>ATA; c.708G>A, p.Met236Ile (NM_001243743.2, NM_001243744.2); short protein forms M236I.
Identifiers: ClinVar variation 127545 (VCV000127545.6), dbSNP rs587779907, ClinGen allele CA287226.

ClinVar aggregate classification (germline): Uncertain significance. Review status: criteria provided, multiple submitters, no conflicts (2 of 4 stars). 3 submissions from 3 submitters: Uncertain significance (3). Last evaluated 2025-05-05.

Conditions:
Hereditary cancer-predisposing syndrome. Also called: Hereditary Cancer Syndrome; Hereditary neoplastic syndrome; Tumor predisposition; Neoplastic Syndromes, Hereditary. Identifiers: Orphanet 140162, MedGen C0027672, MeSH D009386, MONDO:0015356.
Fanconi anemia (FA). Also called: Fanconi's anemia. Identifiers: Orphanet 84, MedGen C0015625, MeSH D005199, MONDO:0019391.

Allele frequency attached by ClinVar (database versions not stated): gnomAD exomes below 0.00001.
gnomAD v4.1: 2 of 1,613,942 alleles (0.00012%); highest among the groups gnomAD compares: Non-Finnish European, 0.00017%; no homozygotes.

Submissions (3):

Labcorp Genetics (formerly Invitae), Labcorp
Classification: Uncertain significance for Fanconi anemia. Last evaluated: 2025-05-05. Review status: criteria provided, single submitter. Criteria: Invitae Variant Classification Sherloc (09022015). Collection method: clinical testing. Allele origin: germline.
Comment: This sequence change replaces methionine, which is neutral and non-polar, with isoleucine, which is neutral and non-polar, at codon 236 of the FANCC protein (p.Met236Ile). This variant is not present in population databases (gnomAD no frequency). This variant has not been reported in the literature in individuals affected with FANCC-related conditions. ClinVar contains an entry for this variant (Variation ID: 127545). Invitae Evidence Modeling of protein sequence and biophysical properties (such as structural, functional, and spatial information, amino acid conservation, physicochemical variation, residue mobility, and thermodynamic stability) indicates that this missense variant is not expected to disrupt FANCC protein function with a negative predictive value of 80%. In summary, the available evidence is currently insufficient to determine the role of this variant in disease. Therefore, it has been classified as a Variant of Uncertain Significance.

Ambry Genetics
Classification: Uncertain significance for Hereditary cancer-predisposing syndrome. Last evaluated: 2023-01-01. Review status: criteria provided, single submitter. Criteria: Ambry Variant Classification Scheme 2023. Collection method: clinical testing. Allele origin: germline.
Comment: The p.M236I variant (also known as c.708G>A), located in coding exon 7 of the FANCC gene, results from a G to A substitution at nucleotide position 708. The methionine at codon 236 is replaced by isoleucine, an amino acid with highly similar properties. This amino acid position is conserved. In addition, this alteration is predicted to be tolerated by in silico analysis. Since supporting evidence is limited at this time, the clinical significance of this alteration remains unclear.

GeneDx
Classification: Uncertain significance. Last evaluated: 2013-12-24. Review status: criteria provided, single submitter. Criteria: GeneDx Variant Classification (06012015). Collection method: clinical testing. Allele origin: germline. Affected: yes.
Comment: This variant is denoted FANCC c.708G>A at the cDNA level, p.Met236Ile (M236I) at the protein level, and results in the change of a Methionine to an Isoleucine (ATG>ATA). This variant has not, to our knowledge, been published in the literature as pathogenic or benign. FANCC Met236Ile was not observed in approximately 6,500 individuals of European and African American ancestry in the NHLBI Exome Sequencing Project, indicating it is not a common benign variant in these populations. This variant is a conservative substitution of one neutral non-polar amino acid for another, altering a position that is highly variable throughout evolution and is not located in a known functional domain. In silico analyses predict this variant to have a benign effect on protein structure and function. Based on the currently available information, we consider FANCC Met236Ile to be a variant of uncertain significance.